The following is an entry in ClinVar:

ClinVar aggregate classification (germline): Uncertain significance. Review status: criteria provided, multiple submitters, no conflicts (2 of 4 stars). 5 submissions from 5 submitters: Uncertain significance (4). 1 of the submissions does not count toward it. Last evaluated 2025-07-08.

Conditions:
Neuromuscular disease caused by qualitative or quantitative defects of dysferlin. Also called: Dysferlinopathy; Qualitative or quantitative defects of dysferlin. Identifiers: Orphanet 207073, MedGen C2931687, MONDO:0016145.
Autosomal recessive limb-girdle muscular dystrophy type 2B (LGMDR2). Also called: MUSCULAR DYSTROPHY, LIMB-GIRDLE, AUTOSOMAL RECESSIVE 2; MUSCULAR DYSTROPHY, LIMB-GIRDLE, TYPE 3; Limb-girdle muscular dystrophy, type 2B; Limb-Girdle Muscular Dystrophy Type 2B (LGMD2B). Identifiers: Orphanet 268, MedGen C1850889, MONDO:0009676, OMIM 253601.

Allele frequency attached by ClinVar (database versions not stated): ExAC 0.00002; gnomAD exomes 0.00002 and 0.00010; gnomAD 0.00005 and 0.00006; TOPMed 0.00007; ESP Exome Variant Server 0.00008.
gnomAD v4.1: 156 of 1,613,912 alleles (0.0097%); highest among the groups gnomAD compares: Non-Finnish European, 0.013%; no homozygotes.

Submissions (5):

Mayo Clinic Laboratories, Mayo Clinic
Classification: Uncertain significance. Last evaluated: 2025-07-08. Review status: criteria provided, single submitter. Criteria: ACMG Guidelines, 2015. Collection method: clinical testing. Allele origin: germline. Observed: 2 variant alleles.
Comment: BP4

Revvity Omics, Revvity
Classification: Uncertain significance. Last evaluated: 2024-12-27. Review status: criteria provided, single submitter. Criteria: ACMG Guidelines, 2015. Collection method: clinical testing. Allele origin: germline.

Labcorp Genetics (formerly Invitae), Labcorp
Classification: Uncertain significance for Neuromuscular disease caused by qualitative or quantitative defects of dysferlin. Last evaluated: 2024-12-10. Review status: criteria provided, single submitter. Criteria: Invitae Variant Classification Sherloc (09022015). Collection method: clinical testing. Allele origin: germline.
Comment: This sequence change replaces alanine, which is neutral and non-polar, with valine, which is neutral and non-polar, at codon 1973 of the DYSF protein (p.Ala1973Val). This variant is present in population databases (rs201784424, gnomAD 0.006%). This variant has not been reported in the literature in individuals affected with DYSF-related conditions. ClinVar contains an entry for this variant (Variation ID: 452293). Invitae Evidence Modeling of protein sequence and biophysical properties (such as structural, functional, and spatial information, amino acid conservation, physicochemical variation, residue mobility, and thermodynamic stability) indicates that this missense variant is not expected to disrupt DYSF protein function with a negative predictive value of 95%. In summary, the available evidence is currently insufficient to determine the role of this variant in disease. Therefore, it has been classified as a Variant of Uncertain Significance.

GeneDx
Classification: Uncertain significance. Last evaluated: 2017-09-28. Review status: criteria provided, single submitter. Criteria: GeneDx Variant Classification (06012015). Collection method: clinical testing. Allele origin: germline. Affected: yes.
Comment: The A1973V variant in the DYSF gene has not been reported previously as a pathogenic variant, nor as a benign variant, to our knowledge. The A1973V variant is not observed at a significant frequency in large population cohorts (Lek et al., 2016). The A1973V variant is a conservative amino acid substitution, which occurs at a position that is not conserved. In silico analysis is inconsistent in its predictions as to whether or not the variant is damaging to the protein structure/function. We interpret A1973V as a variant of uncertain significance.

Natera, Inc.
Classification: Uncertain significance for Limb-girdle muscular dystrophy type 2B. Last evaluated: 2019-10-28. Review status: no assertion criteria provided. Collection method: clinical testing. Allele origin: germline. Not counted in ClinVar's aggregate classification.

NM_001130987.2(DYSF):c.6035C>T (p.Ala2012Val)

Gene: DYSF (dysferlin; plus strand). Cytogenetic location: 2p13.2.
Variant type: single nucleotide variant.
Coding change: c.6035C>T on transcript NM_001130987.2 (MANE Select); coding-DNA position 6035, C replaced by T.
Protein change: p.Ala2012Val; replaces alanine 2012 with valine.
Molecular consequence: missense variant.
Genome position (GRCh38, 1-based): chr2:71,679,207, C>T. VCF-style: chr2-71679207-C-T. GRCh37 (hg19) VCF-style: chr2-71906337-C-T.
Other names: p.Ala1973Val; c.5921C>T, p.Ala1974Val (NM_001130455.2); c.5876C>T, p.Ala1959Val (NM_001130976.2); c.5939C>T, p.Ala1980Val (NM_001130977.2); c.5981C>T, p.Ala1994Val (NM_001130978.2); c.6011C>T, p.Ala2004Val (NM_001130979.2); c.5969C>T, p.Ala1990Val (NM_001130980.2); c.6032C>T, p.Ala2011Val (NM_001130981.2); and 6 more; short protein forms A1973V, A2012V, A1990V, A1994V, A1995V, A2005V, A2011V, A1959V.
Identifiers: ClinVar variation 452293 (VCV000452293.10), dbSNP rs201784424, ClinGen allele CA1707565.
Genomic context (GRCh38, chr2:71,679,207, plus strand): 5'-CAGAATGGTTTGTGTCCCTTTTTGAGCAGAAAACAGTGAAGGGCTGGTGGCCCTGTGTAG[C>T]AGAAGAGGGTGAGAAGAAAATACTGGCGGTAAGTCTACTTCCTCCAGCCCCAGTGGAGGG-3'
Protein context (NP_001124459.1, residues 2002-2022): KTVKGWWPCV[Ala2012Val]EEGEKKILAG